The following is an entry in ClinVar:

NM_001379200.1(TBX1):c.1399C>A (p.Pro467Thr)

Gene: TBX1 (T-box transcription factor 1; plus strand). Cytogenetic location: 22q11.21.
Variant type: single nucleotide variant.
Coding change: c.1399C>A on transcript NM_001379200.1 (MANE Select); coding-DNA position 1399, C replaced by A.
Protein change: p.Pro467Thr; replaces proline 467 with threonine.
Molecular consequence: missense variant. On other transcripts: intron variant (2).
Genome position (GRCh38, 1-based): chr22:19,766,751, C>A. VCF-style: chr22-19766751-C-A. GRCh37 (hg19) VCF-style: chr22-19754274-C-A.
Other names: c.1372C>A, p.Pro458Thr (NM_080647.1); c.1009+749C>A (NM_005992.1, NM_080646.2); short protein forms P467T, P458T.
Identifiers: ClinVar variation 1486460 (VCV001486460.8), dbSNP rs765827356, ClinGen allele CA410685319.
Genomic context (GRCh38, chr22:19,766,751, plus strand): 5'-CTGCCCGGCCTGCGTGGCCACGGCTACCACCCGCACGCGCATCCGCACCACCACCACCAC[C>A]CCGTGAGTCCAGCCGCCGCGGCCGCCGCCGCCGCTGCCGCAGCTGCCGCGGCCGCCAACA-3'
Protein context (NP_001366129.1, residues 457-477): PHAHPHHHHH[Pro467Thr]VSPAAAAAAA

ClinVar aggregate classification (germline): Uncertain significance (1 of 4 stars; one submission).

Conditions:
DiGeorge syndrome. Also called: THIRD AND FOURTH PHARYNGEAL POUCH SYNDROME; Catch22. Identifiers: Orphanet 567, MedGen C0012236, MONDO:0008564, OMIM 188400.

Submission:

Labcorp Genetics (formerly Invitae), Labcorp
Classification: Uncertain significance for DiGeorge syndrome. Last evaluated: 2024-12-16. Review status: criteria provided, single submitter. Criteria: Invitae Variant Classification Sherloc (09022015). Collection method: clinical testing. Allele origin: germline.
Comment: This sequence change replaces proline, which is neutral and non-polar, with threonine, which is neutral and polar, at codon 458 of the TBX1 protein (p.Pro458Thr). This variant is not present in population databases (gnomAD no frequency). This variant has not been reported in the literature in individuals affected with TBX1-related conditions. ClinVar contains an entry for this variant (Variation ID: 1486460). An algorithm developed to predict the effect of missense changes on protein structure and function (PolyPhen-2) suggests that this variant is likely to be tolerated. In summary, the available evidence is currently insufficient to determine the role of this variant in disease. Therefore, it has been classified as a Variant of Uncertain Significance.